The following is an entry in ClinVar:

ClinVar aggregate classification (germline): Likely pathogenic (1 of 4 stars; one submission).

Conditions:
LAMA2-related muscular dystrophy (LAMA2-RD). Also called: Laminin alpha 2-related dystrophy. Identifiers: MedGen C5679788, MONDO:0100228.

Submission:

Myriad Genetics, Inc.
Classification: Likely pathogenic for LAMA2-related muscular dystrophy. Last evaluated: 2019-05-05. Review status: criteria provided, single submitter. Criteria: Myriad Autosomal Dominant, Autosomal Recessive and X-Linked Classification Criteria (2023). Collection method: clinical testing. Allele origin: unknown.
Comment: NM_000426.3(LAMA2):c.1065T>A(Y355*) is expected to be pathogenic in the context of LAMA2-related muscular dystrophy. This variant is predicted to lead to an abnormal or absent protein product due to the creation of a premature termination codon in LAMA2, a gene where loss-of-function variants are known to be pathogenic. Please note: this variant was assessed in the context of healthy population screening.

NM_000426.4(LAMA2):c.1065T>A (p.Tyr355Ter)

Gene: LAMA2 (laminin subunit alpha 2; plus strand). Cytogenetic location: 6q22.33.
Variant type: single nucleotide variant.
Coding change: c.1065T>A on transcript NM_000426.4 (MANE Select); coding-DNA position 1065, T replaced by A.
Protein change: p.Tyr355Ter; replaces tyrosine 355 with a stop codon.
Molecular consequence: nonsense.
Genome position (GRCh38, 1-based): chr6:129,154,542, T>A. VCF-style: chr6-129154542-T-A. GRCh37 (hg19) VCF-style: chr6-129475687-T-A.
Other names: c.1065T>A, p.Tyr355Ter (NM_001079823.2); short protein forms Y355*.
Identifiers: ClinVar variation 983909 (VCV000983909.4), dbSNP rs1436470033, ClinGen allele CA365606841.